The following is an entry in ClinVar:

ClinVar aggregate classification (germline): Uncertain significance. Review status: criteria provided, multiple submitters, no conflicts (2 of 4 stars). 5 submissions from 5 submitters: Uncertain significance (5). Last evaluated 2025-10-21.

Conditions:
Von Hippel-Lindau syndrome (VHLS). Also called: Von Hippel-Lindau; VHL syndrome; von Hippel–Lindau syndrome. Identifiers: Orphanet 892, MedGen C0019562, MONDO:0008667, OMIM 193300. Disease mechanism: loss of function.
Chuvash polycythemia. Also called: POLYCYTHEMIA, VHL-DEPENDENT. Identifiers: Orphanet 238557, MedGen C1837915, MONDO:0009892, OMIM 263400.
Hereditary cancer-predisposing syndrome. Also called: Hereditary neoplastic syndrome; Neoplastic Syndromes, Hereditary; Tumor predisposition; Hereditary Cancer Syndrome. Identifiers: Orphanet 140162, MedGen C0027672, MeSH D009386, MONDO:0015356.

Allele frequency attached by ClinVar (database versions not stated): gnomAD exomes below 0.00001; ExAC 0.00001; gnomAD 0.00001; TOPMed 0.00001.
gnomAD v4.1: 11 of 1,597,698 alleles (0.00069%); highest among the groups gnomAD compares: Non-Finnish European, 0.00085%; no homozygotes.

Submissions (5):

Ambry Genetics
Classification: Uncertain significance for Hereditary cancer-predisposing syndrome. Last evaluated: 2025-10-21. Review status: criteria provided, single submitter. Criteria: Ambry Variant Classification Scheme 2023. Collection method: clinical testing. Allele origin: germline.
Comment: The p.R113P variant (also known as c.338G>C), located in coding exon 1 of the VHL gene, results from a G to C substitution at nucleotide position 338. The arginine at codon 113 is replaced by proline, an amino acid with dissimilar properties. In an assay testing VHL function, this variant showed a functionally neutral result (Buckley M et al. Nat Genet, 2024 Jul;56:1446-1455). This amino acid position is not well conserved in available vertebrate species. In addition, this alteration is predicted to be deleterious by in silico analysis. Based on the available evidence, the clinical significance of this variant remains unclear.

Color Diagnostics, LLC DBA Color Health
Classification: Uncertain significance for Von Hippel-Lindau syndrome. Last evaluated: 2025-07-11. Review status: criteria provided, single submitter. Criteria: ACMG Guidelines, 2015. Collection method: clinical testing. Allele origin: germline.
Comment: This missense variant replaces arginine with proline at codon 113 of the VHL protein. Computational prediction is inconclusive regarding the impact of this variant on protein structure and function. A functional study has reported that this variant does not impact VHL function in a haploid cell fitness assay (PMID: 38969834). To our knowledge, this variant has not been reported in individuals affected with VHL-related disorders in the literature. This variant has been identified in 1/219392 chromosomes in the general population by the Genome Aggregation Database (gnomAD). The available evidence is insufficient to determine the role of this variant in disease conclusively. Therefore, this variant is classified as a Variant of Uncertain Significance.

Labcorp Genetics (formerly Invitae), Labcorp
Classification: Uncertain significance for Von Hippel-Lindau syndrome; Chuvash polycythemia. Last evaluated: 2025-05-05. Review status: criteria provided, single submitter. Criteria: Invitae Variant Classification Sherloc (09022015). Collection method: clinical testing. Allele origin: germline.
Comment: This sequence change replaces arginine, which is basic and polar, with proline, which is neutral and non-polar, at codon 113 of the VHL protein (p.Arg113Pro). This variant is present in population databases (rs767062290, gnomAD 0.001%). This variant has not been reported in the literature in individuals affected with VHL-related conditions. ClinVar contains an entry for this variant (Variation ID: 411987). An algorithm developed to predict the effect of missense changes on protein structure and function (PolyPhen-2) suggests that this variant is likely to be disruptive. In summary, the available evidence is currently insufficient to determine the role of this variant in disease. Therefore, it has been classified as a Variant of Uncertain Significance.

Women's Health and Genetics/Laboratory Corporation of America, LabCorp
Classification: Uncertain significance. Last evaluated: 2023-04-18. Review status: criteria provided, single submitter. Criteria: LabCorp Variant Classification Summary - May 2015. Collection method: clinical testing. Allele origin: germline.
Comment: Variant summary: VHL c.338G>C (p.Arg113Pro) results in a non-conservative amino acid change located in the von Hippel-Lindau disease tumour suppressor, beta/alpha domain (IPR022772) of the encoded protein sequence. Three of five in-silico tools predict a damaging effect of the variant on protein function. Additionally, as the variant is located in the exonic-splice region, 4/4 computational tools predict no significant impact on normal splicing. However, these predictions have yet to be confirmed by functional studies. The variant allele was found at a frequency of 4.6e-06 in 219392 control chromosomes. The available data on variant occurrences in the general population are insufficient to allow any conclusion about variant significance. To our knowledge, no occurrence of c.338G>C in individuals affected with Von Hippel-Lindau Syndrome and no experimental evidence demonstrating its impact on protein function have been reported. Two clinical diagnostic laboratories have submitted clinical-significance assessments for this variant to ClinVar after 2014 without evidence for independent evaluation. All laboratories classified the variant as uncertain significance. Based on the evidence outlined above, the variant was classified as uncertain significance.

All of Us Research Program, National Institutes of Health
Classification: Uncertain significance for Von Hippel-Lindau syndrome. Last evaluated: 2023-02-24. Review status: criteria provided, single submitter. Criteria: ACMG Guidelines, 2015. Collection method: clinical testing. Allele origin: germline. Inheritance: Autosomal dominant inheritance. Observed: 1 variant allele, 1 heterozygote.
Comment: This missense variant replaces arginine with proline at codon 113 of the VHL protein. Computational prediction is inconclusive regarding the impact of this variant on protein structure and function (internally defined REVEL score threshold 0.5 < inconclusive < 0.7, PMID: 27666373). To our knowledge, functional studies have not been reported for this variant. This variant has not been reported in individuals affected with VHL-related disorders in the literature. This variant has been identified in 1/219392 chromosomes in the general population by the Genome Aggregation Database (gnomAD). The available evidence is insufficient to determine the role of this variant in disease conclusively. Therefore, this variant is classified as a Variant of Uncertain Significance.

This study involves interpretation of variants in research participants for the purpose of population health screening. Participant phenotype was not available at the time of variant classification. Additional details can be found in publication PMID: 35346344, PMCID: PMC8962531

Literature cited by the submitters: PubMed 38969834 (cited by Ambry Genetics and Color Diagnostics, LLC DBA Color Health).

NM_000551.4(VHL):c.338G>C (p.Arg113Pro)

Gene: VHL (von Hippel-Lindau tumor suppressor; plus strand). Cytogenetic location: 3p25.3.
Variant type: single nucleotide variant.
Coding change: c.338G>C on transcript NM_000551.4 (MANE Select); coding-DNA position 338, G replaced by C.
Protein change: p.Arg113Pro; replaces arginine 113 with proline.
Molecular consequence: missense variant.
Genome position (GRCh38, 1-based): chr3:10,142,185, G>C. VCF-style: chr3-10142185-G-C. GRCh37 (hg19) VCF-style: chr3-10183869-G-C.
Other names: c.338G>C, p.Arg113Pro (NM_001354723.2, NM_198156.3); short protein forms R113P.
Identifiers: ClinVar variation 411987 (VCV000411987.16), dbSNP rs767062290, ClinGen allele CA040338.